The following is an entry in ClinVar:

NM_004706.4(ARHGEF1):c.1462C>G (p.Leu488Val)

Gene: ARHGEF1 (Rho guanine nucleotide exchange factor 1; plus strand). Cytogenetic location: 19q13.2.
Variant type: single nucleotide variant.
Coding change: c.1462C>G on transcript NM_004706.4 (MANE Select); coding-DNA position 1462, C replaced by G.
Protein change: p.Leu488Val; replaces leucine 488 with valine.
Molecular consequence: missense variant.
Genome position (GRCh38, 1-based): chr19:41,902,321, C>G. VCF-style: chr19-41902321-C-G. GRCh37 (hg19) VCF-style: chr19-42406471-C-G.
Other names: c.1363C>G, p.Leu455Val (NM_198977.2); c.1507C>G, p.Leu503Val (NM_199002.2); short protein forms L455V, L488V, L503V.
Identifiers: ClinVar variation 1495190 (VCV001495190.8), dbSNP rs781912528, ClinGen allele CA406060950.

ClinVar aggregate classification (germline): Uncertain significance (1 of 4 stars; one submission).

Submission:

Labcorp Genetics (formerly Invitae), Labcorp
Classification: Uncertain significance. Last evaluated: 2020-10-29. Review status: criteria provided, single submitter. Criteria: Invitae Variant Classification Sherloc (09022015). Collection method: clinical testing. Allele origin: germline.
Comment: In summary, the available evidence is currently insufficient to determine the role of this variant in disease. Therefore, it has been classified as a Variant of Uncertain Significance. Algorithms developed to predict the effect of missense changes on protein structure and function output the following: SIFT: "Deleterious"; PolyPhen-2: "Benign"; Align-GVGD: "Class C0". The valine amino acid residue is found in multiple mammalian species, suggesting that this missense change does not adversely affect protein function. These predictions have not been confirmed by published functional studies and their clinical significance is uncertain. This variant has not been reported in the literature in individuals with ARHGEF1-related conditions. This variant is not present in population databases (ExAC no frequency). This sequence change replaces leucine with valine at codon 503 of the ARHGEF1 protein (p.Leu503Val). The leucine residue is highly conserved and there is a small physicochemical difference between leucine and valine.